The following is an entry in ClinVar:

ClinVar aggregate classification (germline): Pathogenic (1 of 4 stars; one submission).

Conditions:
Renal cyst. Also called: Cystic kidney disease; Renal cysts; cystic kidneys. Identifiers: MedGen C3887499, MONDO:0002473, HP:0000107.

Submission:

Victorian Clinical Genetics Services, Murdoch Childrens Research Institute
Classification: Pathogenic for Renal cyst. Last evaluated: 2024-10-09. Review status: criteria provided, single submitter. Criteria: ACMG Guidelines, 2015. Collection method: clinical testing. Allele origin: germline. Inheritance: Autosomal dominant inheritance. Affected: yes.
Comment: Based on the classification scheme VCGS_Germline_v1.3.4, this variant is classified as Pathogenic. Following criteria are met: 0102 - Loss of function is a known mechanism of disease in this gene and is associated with retinitis pigmentosa 80 (MIM#617781), short-rib thoracic dysplasia 9 with or without polydactyly (MIM#266920) and cystic kidney disease (MONDO:0002473), IFT140-related (PMID: 34890546). (I) 0108 - This gene is associated with both recessive and dominant disease. Retinitis pigmentosa 80 (MIM#617781) and short-rib thoracic dysplasia 9 with or without polydactyly (MIM#266920) are inherited in an autosomal recessive manner, while cystic kidney disease (MONDO:0002473), IFT140-related is inherited in an autosomal dominant manner (OMIM, PMID: 34890546). (I) 0112 - The dominant condition associated with this gene may have incomplete penetrance. Parents of children with short-rib thoracic dysplasia 9 with or without polydactyly, who carry a single pathogenic variant that has also previously been associated with the dominant cystic kidney disease phenotype, have been reported as unaffected (PMID: 34890546). However, these parents weren't specifically assessed for cystic kidney disease. (I) 0201 - Variant is predicted to cause nonsense-mediated decay (NMD) and loss of protein (premature termination codon is located at least 54 nucleotides upstream of the final exon-exon junction). (SP) 0251 - This variant is heterozygous. (I) 0301 - Variant is absent from gnomAD (both v2 and v3). (SP) 0701 - Other NMD-predicted variants comparable to the one identified in this case have very strong previous evidence for pathogenicity (DECIPHER). These variants have been reported in families with later onset autosomal dominant polycystic kidney disease (PMID: 34890546) and autosomal recessive IFT140-related conditions (PMIDs: 22503633, 26968735). (SP) 0807 - This variant has no previous evidence of pathogenicity. (I) 0905 - No published segregation evidence has been identified for this variant. (I) 1007 - No published functional evidence has been identified for this variant. (I) 1208 - Inheritance information for this variant is not currently available in this individual. (I) Legend: (SP) - Supporting pathogenic, (I) - Information, (SB) - Supporting benign

Literature cited by the submitters: PubMed 22503633; PubMed 26968735; PubMed 34890546.

NM_014714.4(IFT140):c.1045del (p.Ala349fs)

Genes: IFT140 (intraflagellar transport 140; minus strand), LOC105371046 (uncharacterized LOC105371046; plus strand). Cytogenetic location: 16p13.3.
Variant type: Deletion.
Coding change: c.1045del on transcript NM_014714.4 (MANE Select); coding-DNA position 1045, one base deleted (G; older notation c.1045delG).
Protein change: p.Ala349fs; shifts the reading frame from alanine 349.
Molecular consequence: frameshift variant.
Genome position (GRCh38, 1-based): chr16:1,586,240, C deleted on the plus strand (G on the coding strand, the reverse complement: IFT140 is on the minus strand). VCF-style (leftmost placement, unchanged base first): chr16-1586239-GC-G. GRCh37 (hg19) VCF-style: chr16-1636240-GC-G.
Other names: short protein forms A349fs.
Identifiers: ClinVar variation 3376814 (VCV003376814.1).